The following is an entry in ClinVar:

ClinVar aggregate classification (germline): Likely pathogenic. Review status: criteria provided, multiple submitters, no conflicts (2 of 4 stars). 2 submissions from 2 submitters: Likely pathogenic (2). Last evaluated 2020-10-13.

Conditions:
Intellectual disability-hypotonic facies syndrome, X-linked, 1 (MRXHF1). Also called: X-linked intellectual disability-hypotonic face syndrome; XLMR-HYPOTONIC FACIES SYNDROME; CHUDLEY-LOWRY SYNDROME; Chudley syndrome 1; Chudley-Lowry-Hoar syndrome; Carpenter-Waziri syndrome. Identifiers: Orphanet 73220, Orphanet 93970, Orphanet 93971, Orphanet 93972, Orphanet 93973, Orphanet 93974, Orphanet 93975, MedGen C4759781, MONDO:0010663, OMIM 309580.
Alpha thalassemia-X-linked intellectual disability syndrome (ATRX). Also called: ALPHA-THALASSEMIA/MENTAL RETARDATION SYNDROME, X-LINKED; ATR, NONDELETION TYPE; ATR-X syndrome; Alpha thalassemia mental retardation syndrome, nondeletion type, X-linked; XLMR hypotonic face syndrome; X-linked alpha-thalassemia-mental retardation syndrome. Identifiers: Orphanet 847, MedGen C1845055, MONDO:0010519, OMIM 301040.

Submissions (2):

Baylor Genetics
Classification: Likely pathogenic for Intellectual disability-hypotonic facies syndrome, X-linked, 1. Last evaluated: 2020-10-13. Review status: criteria provided, single submitter. Criteria: ACMG Guidelines, 2015. Collection method: clinical testing. Allele origin: de novo. Affected: yes.
Comment: This variant was determined to be likely pathogenic according to ACMG Guidelines, 2015 [PMID:25741868].

Undiagnosed Diseases Network, NIH
Classification: Likely pathogenic for Alpha thalassemia-X-linked intellectual disability syndrome. Last evaluated: 2020-10-13. Review status: criteria provided, single submitter. Criteria: ACMG Guidelines, 2015. Collection method: clinical testing. Allele origin: de novo. Inheritance: X-linked inheritance. Affected: yes. Observed: 1 variant allele, 1 hemizygote. Study: Undiagnosed Diseases Network (NIH), UDN.

NM_000489.6(ATRX):c.5449-7A>G

Gene: ATRX (ATRX chromatin remodeler; minus strand). Cytogenetic location: Xq21.1.
Variant type: single nucleotide variant.
Coding change: c.5449-7A>G on transcript NM_000489.6 (MANE Select); 7 bases into the intron before coding-DNA position 5449, A replaced by G.
Molecular consequence: intron variant.
Genome position (GRCh38, 1-based): chrX:77,616,737, T>C on the plus strand (A>G on the coding strand, the complement: ATRX is on the minus strand). VCF-style: chrX-77616737-T-C. GRCh37 (hg19) VCF-style: chrX-76872205-T-C.
Other names: c.5335-7A>G (NM_138270.5).
Identifiers: ClinVar variation 1028792 (VCV001028792.5), dbSNP rs2067371776, ClinGen allele CA2438965147.
Genomic context (GRCh38, chrX:77,616,737, plus strand): 5'-CACATATTCGTGTTTTGGAGGCAAGAATTTTGTTAATGCTGTATAATCTTTCCTCTGTAA[T>C]TAACAAGAAAGAGAATGAAAATTAATCTAAATATTTAACAGGAATGAACTACAAGTTCTC-3'